The following is an entry in ClinVar:

ClinVar aggregate classification (germline): Likely pathogenic (1 of 4 stars; one submission).

Conditions:
Joubert syndrome. Also called: CEREBELLOPARENCHYMAL DISORDER IV; JOUBERT-BOLTSHAUSER SYNDROME; Familial aplasia of the vermis. Identifiers: Orphanet 475, MedGen C5979921, MONDO:0018772.
Meckel-Gruber syndrome. Also called: DYSENCEPHALIA SPLANCHNOCYSTICA; GRUBER SYNDROME; Dysencephalia splachnocystica. Identifiers: Orphanet 564, MedGen C0265215, MONDO:0018921.

gnomAD v4.1: 1 of 1,614,070 alleles (0.000062%); highest among the groups gnomAD compares: Non-Finnish European, 0.000085%; no homozygotes.

Submission:

Labcorp Genetics (formerly Invitae), Labcorp
Classification: Likely pathogenic for Joubert syndrome; Meckel-Gruber syndrome. Last evaluated: 2023-05-20. Review status: criteria provided, single submitter. Criteria: Invitae Variant Classification Sherloc (09022015). Collection method: clinical testing. Allele origin: germline.
Comment: In summary, the currently available evidence indicates that the variant is pathogenic, but additional data are needed to prove that conclusively. Therefore, this variant has been classified as Likely Pathogenic. Algorithms developed to predict the effect of sequence changes on RNA splicing suggest that this variant may disrupt the consensus splice site. This variant has not been reported in the literature in individuals affected with MKS1-related conditions. This variant is not present in population databases (gnomAD no frequency). This sequence change affects an acceptor splice site in intron 11 of the MKS1 gene. It is expected to disrupt RNA splicing. Variants that disrupt the donor or acceptor splice site typically lead to a loss of protein function (PMID: 16199547), and loss-of-function variants in MKS1 are known to be pathogenic (PMID: 19466712, 24886560, 26490104).

Literature cited by the submitters: PubMed 16199547; PubMed 19466712; PubMed 24886560; PubMed 26490104.

NM_017777.4(MKS1):c.1025-2A>G

Gene: MKS1 (MKS transition zone complex subunit 1; minus strand). Cytogenetic location: 17q22.
Variant type: single nucleotide variant.
Coding change: c.1025-2A>G on transcript NM_017777.4 (MANE Select); the canonical splice acceptor site of the intron before coding-DNA position 1025, A replaced by G.
Molecular consequence: splice acceptor variant.
Genome position (GRCh38, 1-based): chr17:58,208,585, T>C on the plus strand (A>G on the coding strand, the complement: MKS1 is on the minus strand). VCF-style: chr17-58208585-T-C. GRCh37 (hg19) VCF-style: chr17-56285946-T-C.
Other names: c.416-2A>G (NM_001321268.2); c.1025-2A>G (NM_001330397.2, NM_001321269.2, NM_001411113.1).
Identifiers: ClinVar variation 2947986 (VCV002947986.3), dbSNP rs794727070, ClinGen allele CA400325929.